The following is an entry in ClinVar:

NM_000170.3(GLDC):c.2677C>T (p.Pro893Ser)

Gene: GLDC (glycine decarboxylase; minus strand). Cytogenetic location: 9p24.1.
Variant type: single nucleotide variant.
Coding change: c.2677C>T on transcript NM_000170.3 (MANE Select); coding-DNA position 2677, C replaced by T.
Protein change: p.Pro893Ser; replaces proline 893 with serine.
Molecular consequence: missense variant.
Genome position (GRCh38, 1-based): chr9:6,536,225, G>A on the plus strand (C>T on the coding strand, the complement: GLDC is on the minus strand). VCF-style: chr9-6536225-G-A. GRCh37 (hg19) VCF-style: chr9-6536225-G-A.
Other names: short protein forms P893S.
Identifiers: ClinVar variation 1493703 (VCV001493703.8), dbSNP rs2129650066, ClinGen allele CA372883013.

ClinVar aggregate classification (germline): Likely pathogenic (1 of 4 stars; one submission).

Conditions:
Glycine encephalopathy. Also called: Non-ketotic hyperglycinemia; Nonketotic hyperglycinemia. Identifiers: Orphanet 407, MedGen C0751748, MONDO:0011612, HP:0008288.

Submission:

Labcorp Genetics (formerly Invitae), Labcorp
Classification: Likely pathogenic for Glycine encephalopathy. Last evaluated: 2022-08-23. Review status: criteria provided, single submitter. Criteria: Invitae Variant Classification Sherloc (09022015). Collection method: clinical testing. Allele origin: germline.
Comment: ClinVar contains an entry for this variant (Variation ID: 1493703). Advanced modeling of protein sequence and biophysical properties (such as structural, functional, and spatial information, amino acid conservation, physicochemical variation, residue mobility, and thermodynamic stability) performed at Invitae indicates that this missense variant is expected to disrupt GLDC protein function. This variant disrupts the p.Pro893 amino acid residue in GLDC. Other variant(s) that disrupt this residue have been determined to be pathogenic (PMID: 26179960). This suggests that this residue is clinically significant, and that variants that disrupt this residue are likely to be disease-causing. In summary, the currently available evidence indicates that the variant is pathogenic, but additional data are needed to prove that conclusively. Therefore, this variant has been classified as Likely Pathogenic. This variant has not been reported in the literature in individuals affected with GLDC-related conditions. This variant is not present in population databases (gnomAD no frequency). This sequence change replaces proline, which is neutral and non-polar, with serine, which is neutral and polar, at codon 893 of the GLDC protein (p.Pro893Ser).

Literature cited by the submitters: PubMed 26179960.